The following is an entry in ClinVar:

ClinVar aggregate classification (germline): Likely benign (0 of 4 stars; one submission).

Conditions:
ATP8A2-related disorder. Also called: ATP8A2-related condition.

Submission:

PreventionGenetics, part of Exact Sciences
Classification: Likely benign for ATP8A2-related condition. Last evaluated: 2019-08-22. Review status: no assertion criteria provided. Collection method: clinical testing. Allele origin: germline.
Comment: This variant is classified as likely benign based on ACMG/AMP sequence variant interpretation guidelines (Richards et al. 2015 PMID: 25741868, with internal and published modifications).

NM_016529.6(ATP8A2):c.2384+4_2384+7del

Gene: ATP8A2 (ATPase phospholipid transporting 8A2). Cytogenetic location: 13q12.13.
Variant type: Deletion.
Coding change: c.2384+4_2384+7del on transcript NM_016529.6 (MANE Select); bases 4 to 7 of the intron after coding-DNA position 2384, this stretch deleted.
Molecular consequence: intron variant.
Genome position: GRCh38 VCF-style: chr13-25699347-TAGGA-T. GRCh37 (hg19) VCF-style: chr13-26273485-TAGGA-T.
Other names: c.2384+4_2384+7del (NM_001411005.1, NM_001411006.1); c.2264+4_2264+7del (NM_001313741.1).
Identifiers: ClinVar variation 3052348 (VCV003052348.2), dbSNP rs2541857923, ClinGen allele CA2622419075.